The following is an entry in ClinVar:

ClinVar aggregate classification (germline): Uncertain significance (1 of 4 stars; one submission).

Conditions:
Tuberous sclerosis 2 (TSC2). Identifiers: Orphanet 805, MedGen C1860707, MONDO:0013199, OMIM 613254.

Submission:

Labcorp Genetics (formerly Invitae), Labcorp
Classification: Uncertain significance for Tuberous sclerosis 2. Last evaluated: 2022-06-22. Review status: criteria provided, single submitter. Criteria: Invitae Variant Classification Sherloc (09022015). Collection method: clinical testing. Allele origin: germline.
Comment: In summary, the available evidence is currently insufficient to determine the role of this variant in disease. Therefore, it has been classified as a Variant of Uncertain Significance. Variants that disrupt the consensus splice site are a relatively common cause of aberrant splicing (PMID: 17576681, 9536098). Algorithms developed to predict the effect of sequence changes on RNA splicing suggest that this variant may create or strengthen a splice site. This variant has not been reported in the literature in individuals affected with TSC2-related conditions. This variant is not present in population databases (gnomAD no frequency). This sequence change falls in intron 13 of the TSC2 gene. It does not directly change the encoded amino acid sequence of the TSC2 protein. It affects a nucleotide within the consensus splice site.

Literature cited by the submitters: PubMed 17576681; PubMed 9536098.

NM_000548.5(TSC2):c.1361+5G>T

Gene: TSC2 (TSC complex subunit 2; plus strand). Cytogenetic location: 16p13.3.
Variant type: single nucleotide variant.
Coding change: c.1361+5G>T on transcript NM_000548.5 (MANE Select); 5 bases into the intron after coding-DNA position 1361, G replaced by T.
Molecular consequence: intron variant.
Genome position (GRCh38, 1-based): chr16:2,062,605, G>T. VCF-style: chr16-2062605-G-T. GRCh37 (hg19) VCF-style: chr16-2112606-G-T.
Other names: c.1361+5G>T (NM_001114382.3, NM_021055.3, NM_001370405.1 and 3 more transcripts); c.1250+5G>T (NM_001318827.2); c.761+5G>T (NM_001318831.2); c.1214+5G>T (NM_001318829.2); c.1394+5G>T (NM_001318832.2).
Identifiers: ClinVar variation 2008898 (VCV002008898.4), dbSNP rs2086781791, ClinGen allele CA2580090753.